The following is an entry in ClinVar:

NM_006446.5(SLCO1B1):c.*463A>G

Gene: SLCO1B1 (solute carrier organic anion transporter family member 1B1; plus strand). Cytogenetic location: 12p12.1.
Variant type: single nucleotide variant.
Coding change: c.*463A>G on transcript NM_006446.5 (MANE Select); 463 bases downstream of the stop codon, A replaced by G.
Molecular consequence: 3 prime UTR variant.
Genome position (GRCh38, 1-based): chr12:21,239,652, A>G. VCF-style: chr12-21239652-A-G. GRCh37 (hg19) VCF-style: chr12-21392586-A-G.
Other names: c.*463A>G (LRG_1022t1).
Identifiers: ClinVar variation 307969 (VCV000307969.5), dbSNP rs4149088, ClinGen allele CA10641583.

ClinVar aggregate classification (germline): Benign (1 of 4 stars; one submission).

Conditions:
Rotor syndrome (HBLRR). Also called: HYPERBILIRUBINEMIA, ROTOR TYPE, DIGENIC; HYPERBILIRUBINEMIA, ROTOR TYPE. Identifiers: Orphanet 3111, MedGen C0220991, MONDO:0009379, OMIM 237450.

Allele frequency attached by ClinVar (database versions not stated): TOPMed 0.38744; gnomAD 0.38803 and 0.39320; 1000 Genomes Project 0.44848; 1000 Genomes Project 30x 0.44097.
gnomAD v4.1: 59,970 of 152,022 alleles (39%); highest among the groups gnomAD compares: East Asian, 74%; 12,585 homozygotes.

Submission:

Illumina Laboratory Services, Illumina
Classification: Benign for Rotor syndrome. Last evaluated: 2018-01-12. Review status: criteria provided, single submitter. Criteria: ICSL Variant Classification Criteria 13 December 2019. Collection method: clinical testing. Allele origin: germline.
Comment: This variant was observed in the ICSL laboratory as part of a predisposition screen in an ostensibly healthy population. It had not been previously curated by ICSL or reported in the Human Gene Mutation Database (HGMD: prior to June 1st, 2018), and was therefore a candidate for classification through an automated scoring system. Utilizing variant allele frequency, disease prevalence and penetrance estimates, and inheritance mode, an automated score was calculated to assess if this variant is too frequent to cause the disease. Based on the score and internal cut-off values, a variant classified as benign is not then subjected to further curation. The score for this variant resulted in a classification of benign for this disease.